The following is an entry in ClinVar:

NM_000071.3(CBS):c.1633G>A (p.Ala545Thr)

Gene: CBS (cystathionine beta-synthase; minus strand). Cytogenetic location: 21q22.3.
Variant type: single nucleotide variant.
Coding change: c.1633G>A on transcript NM_000071.3 (MANE Select); coding-DNA position 1633, G replaced by A.
Protein change: p.Ala545Thr; replaces alanine 545 with threonine.
Molecular consequence: missense variant.
Genome position (GRCh38, 1-based): chr21:43,053,903, C>T on the plus strand (G>A on the coding strand, the complement: CBS is on the minus strand). VCF-style: chr21-43053903-C-T. GRCh37 (hg19) VCF-style: chr21-44474013-C-T.
Other names: c.1633G>A, p.Ala545Thr (NM_001178008.3, NM_001178009.3, NM_001320298.2); c.1318G>A, p.Ala440Thr (NM_001321072.1); short protein forms A545T, A440T.
Identifiers: ClinVar variation 1920786 (VCV001920786.5), dbSNP rs139651937, ClinGen allele CA410394609.
Genomic context (GRCh38, chr21:43,053,903, plus strand): 5'-TGGCGGGCCCGCTCCGCACCGCCCAGCGCTCCGGACTTCACTTCTGGTCCCGCTCCTGGG[C>T]GGCCACGAAGTTCAGCAAGTCAATGGCGGTGACCACCCCGAACACCATCTGCCGCTGACT-3'
Protein context (NP_000062.1, residues 535-551): TAIDLLNFVA[Ala545Thr]QERDQK

ClinVar aggregate classification (germline): Conflicting classifications of pathogenicity. Review status: criteria provided, conflicting classifications (1 of 4 stars). 2 submissions from 2 submitters: Uncertain significance (1); Likely benign (1). Last evaluated 2025-07-25.

Conditions:
Familial thoracic aortic aneurysm and aortic dissection (TAAD). Also called: Thoracic aortic aneurysms and dissections. Identifiers: Orphanet 91387, MedGen C4707243, MONDO:0019625.
HYPERHOMOCYSTEINEMIA, THROMBOTIC, CBS-RELATED. Identifiers: MedGen C3150344, OMIM 236200.

Submissions (2):

Ambry Genetics
Classification: Likely benign for Familial thoracic aortic aneurysm and aortic dissection. Last evaluated: 2025-07-25. Review status: criteria provided, single submitter. Criteria: Ambry Variant Classification Scheme 2023. Collection method: clinical testing. Allele origin: germline.

Labcorp Genetics (formerly Invitae), Labcorp
Classification: Uncertain significance for HYPERHOMOCYSTEINEMIA, THROMBOTIC, CBS-RELATED. Last evaluated: 2021-08-28. Review status: criteria provided, single submitter. Criteria: Invitae Variant Classification Sherloc (09022015). Collection method: clinical testing. Allele origin: germline.
Comment: This sequence change replaces alanine with threonine at codon 545 of the CBS protein (p.Ala545Thr). The alanine residue is moderately conserved and there is a small physicochemical difference between alanine and threonine. This variant is not present in population databases (ExAC no frequency). This variant has not been reported in the literature in individuals affected with CBS-related conditions. Algorithms developed to predict the effect of missense changes on protein structure and function output the following: SIFT: "Tolerated"; PolyPhen-2: "Benign"; Align-GVGD: "Class C0". The threonine amino acid residue is found in multiple mammalian species, which suggests that this missense change does not adversely affect protein function. In summary, the available evidence is currently insufficient to determine the role of this variant in disease. Therefore, it has been classified as a Variant of Uncertain Significance.